The following is an entry in ClinVar:

NM_004958.4(MTOR):c.1614G>C (p.Gly538=)

Gene: MTOR (mechanistic target of rapamycin kinase; minus strand). Cytogenetic location: 1p36.22.
Variant type: single nucleotide variant.
Coding change: c.1614G>C on transcript NM_004958.4 (MANE Select); coding-DNA position 1614, G replaced by C.
Protein change: p.Gly538=; no amino-acid change (glycine 538 retained).
Molecular consequence: synonymous variant.
Genome position (GRCh38, 1-based): chr1:11,240,475, C>G on the plus strand (G>C on the coding strand, the complement: MTOR is on the minus strand). VCF-style: chr1-11240475-C-G. GRCh37 (hg19) VCF-style: chr1-11300532-C-G.
Identifiers: ClinVar variation 703708 (VCV000703708.17), dbSNP rs557994149, ClinGen allele CA590671.
Genomic context (GRCh38, chr1:11,240,475, plus strand): 5'-GGGCATGCCTGGGTGGCGAAGGGGTTTGTGCATAAGGACCAGGGACAGCATTTTCAGTAG[C>G]CCATCTTGAATGTCCTTCTTTAGCTGTGGAATCTGACGGCTCAGGTCGTAGAGCACTGCA-3'
Protein context (NP_004949.1, residues 528-548): IPQLKKDIQD[Gly538=]LLKMLSLVLM

ClinVar aggregate classification (germline): Benign/Likely benign. Review status: criteria provided, multiple submitters, no conflicts (2 of 4 stars). 3 submissions from 3 submitters: Benign (2); Likely benign (1). Last evaluated 2026-02-01.

Allele frequency attached by ClinVar (database versions not stated): gnomAD below 0.00001 and 0.00007; gnomAD exomes 0.00008 and 0.00016; ExAC 0.00025; 1000 Genomes Project 0.00100; 1000 Genomes Project 30x 0.00109.
gnomAD v4.1: 133 of 1,614,198 alleles (0.0082%); highest among the groups gnomAD compares: South Asian, 0.14%; 1 homozygote.

Submissions (3):

CeGaT Center for Human Genetics Tuebingen
Classification: Likely benign. Last evaluated: 2026-02-01. Review status: criteria provided, single submitter. Criteria: CeGaT Center For Human Genetics Tuebingen Variant Classification Criteria Version 2. Collection method: clinical testing. Allele origin: germline. Affected: yes. Observed: 1 variant allele.
Comment: MTOR: BP4, BP7

Labcorp Genetics (formerly Invitae), Labcorp
Classification: Benign. Last evaluated: 2024-09-21. Review status: criteria provided, single submitter. Criteria: Invitae Variant Classification Sherloc (09022015). Collection method: clinical testing. Allele origin: germline.

GeneDx
Classification: Benign. Last evaluated: 2020-02-11. Review status: criteria provided, single submitter. Criteria: GeneDx Variant Classification Process June 2021. Collection method: clinical testing. Allele origin: germline. Affected: yes.